The following is an entry in ClinVar:

Conditions:
Long QT syndrome 5 (LQT5). Identifiers: Orphanet 101016, Orphanet 768, MedGen C1867904, MONDO:0013372, OMIM 613695.

Submission:

Roden Lab, Vanderbilt University Medical Center
No classification provided (evidence only). Condition: Long QT syndrome 5. Review status: no classification provided. Collection method: in vitro. Allele origin: not applicable. Functional consequence: Effect on ion channel function.
ClinVar note: "not provided" was previously submitted as the classification for the variant. However, the classification appeared to be based only on an observation of functional data so it was converted to no classification on 2025-07-30.

NM_000219.6(KCNE1):c.247G>C (p.Glu83Gln)

Gene: KCNE1 (potassium voltage-gated channel subfamily E regulatory subunit 1; minus strand). Cytogenetic location: 21q22.12.
Variant type: single nucleotide variant.
Coding change: c.247G>C on transcript NM_000219.6 (MANE Select); coding-DNA position 247, G replaced by C.
Protein change: p.Glu83Gln; replaces glutamic acid 83 with glutamine.
Molecular consequence: missense variant.
Genome position (GRCh38, 1-based): chr21:34,449,388, C>G on the plus strand (G>C on the coding strand, the complement: KCNE1 is on the minus strand). VCF-style: chr21-34449388-C-G. GRCh37 (hg19) VCF-style: chr21-35821686-C-G.
Other names: c.247G>C, p.Glu83Gln (NM_001127668.4, NM_001127669.4, NM_001127670.4 and 4 more transcripts); short protein forms E83Q.
Identifiers: ClinVar variation 3374429 (VCV003374429.2).